The following is an entry in ClinVar:

NM_031924.8(RSPH3):c.911T>C (p.Met304Thr)

Gene: RSPH3 (radial spoke head 3; minus strand). Cytogenetic location: 6q25.3.
Variant type: single nucleotide variant.
Coding change: c.911T>C on transcript NM_031924.8 (MANE Select); coding-DNA position 911, T replaced by C.
Protein change: p.Met304Thr; replaces methionine 304 with threonine.
Molecular consequence: missense variant. On other transcripts: non-coding transcript variant (1).
Genome position (GRCh38, 1-based): chr6:158,978,295, A>G on the plus strand (T>C on the coding strand, the complement: RSPH3 is on the minus strand). VCF-style: chr6-158978295-A-G. GRCh37 (hg19) VCF-style: chr6-159399327-A-G.
Other names: c.1049T>C, p.Met350Thr (NM_001346418.1); short protein forms M350T, M304T.
Identifiers: ClinVar variation 649011 (VCV000649011.8), dbSNP rs369846962, ClinGen allele CA4075773.
Genomic context (GRCh38, chr6:158,978,295, plus strand): 5'-TGAATTTTTGGATAAAATAACTTACTGTCAAGCACTGTTCTTCCCACCATGCTATATTCC[A>G]TGGTTTTTTCAACTTCATTCATTAGCCATGGAAGAAATCCTATCTCAATATCTGTAATAA-3'
Protein context (NP_114130.4, residues 294-314): PWLMNEVEKT[Met304Thr]EYSMVGRTVL

ClinVar aggregate classification (germline): Uncertain significance. Review status: criteria provided, multiple submitters, no conflicts (2 of 4 stars). 3 submissions from 3 submitters: Uncertain significance (3). Last evaluated 2025-04-12.

Conditions:
Inborn genetic diseases. Identifiers: MedGen C0950123, MeSH D030342.
Primary ciliary dyskinesia 32. Also called: CILIARY DYSKINESIA, PRIMARY, 32, WITHOUT SITUS INVERSUS. Identifiers: Orphanet 244, MedGen C4225311, MONDO:0014657, OMIM 616481.

Allele frequency attached by ClinVar (database versions not stated): gnomAD exomes 0.00002 and 0.00008; ExAC 0.00008; 1000 Genomes Project 0.00020; ESP Exome Variant Server 0.00023; TOPMed 0.00024; 1000 Genomes Project 30x 0.00031; gnomAD 0.00015 and 0.00017.
gnomAD v4.1: 47 of 1,586,594 alleles (0.003%); highest among the groups gnomAD compares: African/African-American, 0.054%; no homozygotes.

Submissions (3):

Ambry Genetics
Classification: Uncertain significance for Inborn genetic diseases. Last evaluated: 2025-04-12. Review status: criteria provided, single submitter. Criteria: Ambry Variant Classification Scheme 2023. Collection method: clinical testing. Allele origin: germline.

Blueprint Genetics
Classification: Uncertain significance. Last evaluated: 2023-02-15. Review status: criteria provided, single submitter. Criteria: ACMG Guidelines, 2015. Collection method: clinical testing. Allele origin: germline.

Labcorp Genetics (formerly Invitae), Labcorp
Classification: Uncertain significance for Primary ciliary dyskinesia 32. Last evaluated: 2021-08-28. Review status: criteria provided, single submitter. Criteria: Invitae Variant Classification Sherloc (09022015). Collection method: clinical testing. Allele origin: germline.
Comment: This sequence change replaces methionine with threonine at codon 446 of the RSPH3 protein (p.Met446Thr). The methionine residue is highly conserved and there is a moderate physicochemical difference between methionine and threonine. This variant is present in population databases (rs369846962, ExAC 0.09%). This variant has not been reported in the literature in individuals affected with RSPH3-related conditions. ClinVar contains an entry for this variant (Variation ID: 649011). Algorithms developed to predict the effect of missense changes on protein structure and function (SIFT, PolyPhen-2, Align-GVGD) all suggest that this variant is likely to be disruptive. In summary, the available evidence is currently insufficient to determine the role of this variant in disease. Therefore, it has been classified as a Variant of Uncertain Significance.